The following is an entry in ClinVar:

NM_080680.3(COL11A2):c.834dup (p.Tyr279fs)

Gene: COL11A2 (collagen type XI alpha 2 chain; minus strand). Cytogenetic location: 6p21.32.
Variant type: Duplication.
Coding change: c.834dup on transcript NM_080680.3 (MANE Select); coding-DNA position 834, one base duplicated (C; older notation c.834dupC).
Protein change: p.Tyr279fs; shifts the reading frame from tyrosine 279.
Molecular consequence: frameshift variant. On other transcripts: 5 prime UTR variant (3), intron variant (2).
Genome position (GRCh38, 1-based): chr6:33,185,743, G duplicated on the plus strand (C on the coding strand, the reverse complement: COL11A2 is on the minus strand); the first of 6 consecutive G bases (chr6:33,185,743-33,185,748); duplicating any one gives the same sequence. VCF-style (leftmost placement, unchanged base first): chr6-33185742-A-AG. GRCh37 (hg19) VCF-style: chr6-33153519-A-AG.
Other names: c.834dup, p.Tyr279fs (NM_001424108.1); c.-13dup (NM_001424109.1, NM_001424110.1, NM_001424111.1); c.798+884dup (NM_080679.3); c.799-689dup (NM_080681.3); short protein forms Y279fs.
Identifiers: ClinVar variation 2758557 (VCV002758557.3), dbSNP rs1194279553, ClinGen allele CA566410035.
Genomic context (GRCh38, chr6:33,185,742, plus strand): 5'-AGGGGTCCCTTGAGTTTACCTGATAATCAGGGGTTGTCCCCGTAGTCATCACATCATAAT[A>AG]GGGGGGCTCGTAGTCATAGTAGAGAGACTCAGTGGGCTGGGATTGGGGGGTGGGCATAGA-3'

ClinVar aggregate classification (germline): Pathogenic (1 of 4 stars; one submission).

Submission:

Labcorp Genetics (formerly Invitae), Labcorp
Classification: Pathogenic. Last evaluated: 2024-03-25. Review status: criteria provided, single submitter. Criteria: Invitae Variant Classification Sherloc (09022015). Collection method: clinical testing. Allele origin: germline.
Comment: This sequence change creates a premature translational stop signal (p.Tyr279Leufs*3) in the COL11A2 gene. It is expected to result in an absent or disrupted protein product. Loss-of-function variants in COL11A2 are known to be pathogenic (PMID: 10677296, 21204229). This variant is present in population databases (no rsID available, gnomAD 0.003%). This variant has not been reported in the literature in individuals affected with COL11A2-related conditions. Algorithms developed to predict the effect of sequence changes on RNA splicing suggest that this variant may disrupt the consensus splice site. For these reasons, this variant has been classified as Pathogenic.

Literature cited by the submitters: PubMed 10677296; PubMed 21204229.